The following is an entry in ClinVar:

NM_000454.5(SOD1):c.69G>C (p.Gln23His)

Genes: SOD1 (superoxide dismutase 1; plus strand), SOD1-DT (SOD1 divergent transcript; minus strand). Cytogenetic location: 21q22.11.
Variant type: single nucleotide variant.
Coding change: c.69G>C on transcript NM_000454.5 (MANE Select); coding-DNA position 69, G replaced by C.
Protein change: p.Gln23His; replaces glutamine 23 with histidine.
Molecular consequence: missense variant.
Genome position (GRCh38, 1-based): chr21:31,659,838, G>C. VCF-style: chr21-31659838-G-C. GRCh37 (hg19) VCF-style: chr21-33032151-G-C.
Other names: p.Gln23His; c.69G>C (NM_000454.4); short protein forms Q23H.
Identifiers: ClinVar variation 1505077 (VCV001505077.10), dbSNP rs1424217272, ClinGen allele CA410036102.

ClinVar aggregate classification (germline): Conflicting classifications of pathogenicity. Review status: criteria provided, conflicting classifications (1 of 4 stars). 3 submissions from 3 submitters: Likely pathogenic (2); Uncertain significance (1). Last evaluated 2024-04-10.

Conditions:
SOD1-related disorder. Also called: SOD1-related condition.
Amyotrophic lateral sclerosis type 1 (ALS1). Also called: AMYOTROPHIC LATERAL SCLEROSIS 1, FAMILIAL. Identifiers: Orphanet 803, MedGen C1862939, MONDO:0007103, OMIM 105400.

gnomAD v4.1: 28 of 1,613,346 alleles (0.0017%); highest among the groups gnomAD compares: Non-Finnish European, 0.0021%; no homozygotes.

Submissions (3):

Mayo Clinic Laboratories, Mayo Clinic
Classification: Uncertain significance. Last evaluated: 2024-04-10. Review status: criteria provided, single submitter. Criteria: ACMG Guidelines, 2015. Collection method: clinical testing. Allele origin: germline. Observed: 1 variant allele.
Comment: PP3, PM2, PM5

Labcorp Genetics (formerly Invitae), Labcorp
Classification: Likely pathogenic for Amyotrophic lateral sclerosis type 1. Last evaluated: 2023-12-11. Review status: criteria provided, single submitter. Criteria: Invitae Variant Classification Sherloc (09022015). Collection method: clinical testing. Allele origin: germline.
Comment: This sequence change replaces glutamine, which is neutral and polar, with histidine, which is basic and polar, at codon 23 of the SOD1 protein (p.Gln23His). This variant is present in population databases (no rsID available, gnomAD 0.002%). This missense change has been observed in individual(s) with autosomal dominant amyotrophic lateral sclerosis (PMID: 21603025). This variant is also known as Q22H. ClinVar contains an entry for this variant (Variation ID: 1505077). Advanced modeling of protein sequence and biophysical properties (such as structural, functional, and spatial information, amino acid conservation, physicochemical variation, residue mobility, and thermodynamic stability) performed at Invitae indicates that this missense variant is expected to disrupt SOD1 protein function with a positive predictive value of 95%. This variant disrupts the p.Gln23 amino acid residue in SOD1. Other variant(s) that disrupt this residue have been determined to be pathogenic (PMID: 23280792, 32951934). This suggests that this residue is clinically significant, and that variants that disrupt this residue are likely to be disease-causing. In summary, the currently available evidence indicates that the variant is pathogenic, but additional data are needed to prove that conclusively. Therefore, this variant has been classified as Likely Pathogenic.

PreventionGenetics, part of Exact Sciences
Classification: Likely pathogenic for SOD1-related condition. Last evaluated: 2023-05-16. Review status: criteria provided, single submitter. Criteria: ACMG Guidelines, 2015. Collection method: clinical testing. Allele origin: germline.
Comment: The SOD1 c.69G>C variant is predicted to result in the amino acid substitution p.Gln23His. This variant was reported in a patient with sporadic amyotrophic lateral sclerosis (described as p.Q22H, Akimoto et al. 2011. PubMed ID: 21603025). Other substitutions (Leu, Arg) at this amino acid position have been reported as pathogenic (described as Q22L, Ungaro et al. 2020. PubMed ID: 32951934; Corti et al. 2009. PubMed ID: 19000626). This variant is reported in 0.0018% of alleles in individuals of European (Non-Finnish) descent in gnomAD. This variant is interpreted as likely pathogenic.

Literature cited by the submitters: PubMed 21603025 (cited by Mayo Clinic Laboratories, Mayo Clinic and Labcorp Genetics (formerly Invitae), Labcorp); PubMed 35328090 (cited by Mayo Clinic Laboratories, Mayo Clinic); PubMed 23280792 (cited by Labcorp Genetics (formerly Invitae), Labcorp); PubMed 32951934 (cited by Labcorp Genetics (formerly Invitae), Labcorp).